The following is an entry in ClinVar:

ClinVar aggregate classification (germline): Uncertain significance. Review status: criteria provided, multiple submitters, no conflicts (2 of 4 stars). 4 submissions from 4 submitters: Uncertain significance (3). 1 of the submissions does not count toward it. Last evaluated 2025-06-12.

Conditions:
Usher syndrome type 2A. Also called: RETINAL DISEASE IN USHER SYNDROME TYPE IIA, MODIFIER OF; USHER SYNDROME, TYPE IIA. Identifiers: Orphanet 231178, Orphanet 886, MedGen C1848634, MONDO:0010169, OMIM 276901.
Inborn genetic diseases. Identifiers: MedGen C0950123, MeSH D030342.

Allele frequency attached by ClinVar (database versions not stated): gnomAD exomes below 0.00001 and 0.00001; ExAC 0.00001; gnomAD 0.00001 and 0.00002; TOPMed 0.00002.
gnomAD v4.1: 5 of 1,614,088 alleles (0.00031%); highest among the groups gnomAD compares: African/African-American, 0.004%; no homozygotes.

Submissions (4):

Ambry Genetics
Classification: Uncertain significance for Inborn genetic diseases. Last evaluated: 2025-06-12. Review status: criteria provided, single submitter. Criteria: Ambry Variant Classification Scheme 2023. Collection method: clinical testing. Allele origin: germline.

Labcorp Genetics (formerly Invitae), Labcorp
Classification: Uncertain significance. Last evaluated: 2022-08-23. Review status: criteria provided, single submitter. Criteria: Invitae Variant Classification Sherloc (09022015). Collection method: clinical testing. Allele origin: germline.
Comment: This sequence change replaces methionine, which is neutral and non-polar, with leucine, which is neutral and non-polar, at codon 5047 of the USH2A protein (p.Met5047Leu). This variant is present in population databases (rs773541511, gnomAD 0.007%). This variant has not been reported in the literature in individuals affected with USH2A-related conditions. ClinVar contains an entry for this variant (Variation ID: 1047078). Algorithms developed to predict the effect of missense changes on protein structure and function (SIFT, PolyPhen-2, Align-GVGD) all suggest that this variant is likely to be tolerated. In summary, the available evidence is currently insufficient to determine the role of this variant in disease. Therefore, it has been classified as a Variant of Uncertain Significance.

Blueprint Genetics
Classification: Uncertain significance. Last evaluated: 2022-02-10. Review status: criteria provided, single submitter. Criteria: ACMG Guidelines, 2015. Collection method: clinical testing. Allele origin: germline.

Natera, Inc.
Classification: Uncertain significance for Usher syndrome type 2A. Last evaluated: 2020-12-08. Review status: no assertion criteria provided. Collection method: clinical testing. Allele origin: germline. Not counted in ClinVar's aggregate classification.

NM_206933.4(USH2A):c.15139A>C (p.Met5047Leu)

Gene: USH2A (usherin; minus strand). Cytogenetic location: 1q41.
Variant type: single nucleotide variant.
Coding change: c.15139A>C on transcript NM_206933.4 (MANE Select); coding-DNA position 15139, A replaced by C.
Protein change: p.Met5047Leu; replaces methionine 5047 with leucine.
Molecular consequence: missense variant.
Genome position (GRCh38, 1-based): chr1:215,634,617, T>G on the plus strand (A>C on the coding strand, the complement: USH2A is on the minus strand). VCF-style: chr1-215634617-T-G. GRCh37 (hg19) VCF-style: chr1-215807959-T-G.
Other names: c.15139A>C (NM_206933.2); short protein forms M5047L.
Identifiers: ClinVar variation 1047078 (VCV001047078.9), dbSNP rs773541511, ClinGen allele CA1392780.